The following is an entry in ClinVar:

NM_000108.5(DLD):c.39+1G>T

Gene: DLD (dihydrolipoamide dehydrogenase; plus strand). Cytogenetic location: 7q31.1.
Variant type: single nucleotide variant.
Coding change: c.39+1G>T on transcript NM_000108.5 (MANE Select); the canonical splice donor site of the intron after coding-DNA position 39, G replaced by T.
Molecular consequence: splice donor variant.
Genome position (GRCh38, 1-based): chr7:107,891,290, G>T. VCF-style: chr7-107891290-G-T. GRCh37 (hg19) VCF-style: chr7-107531735-G-T.
Other names: c.39+1G>T (NM_001289752.1, NM_001289751.1); c.-110+1G>T (NM_001289750.1).
Identifiers: ClinVar variation 4817452 (VCV004817452.1).

ClinVar aggregate classification (germline): Likely pathogenic (1 of 4 stars; one submission).

Conditions:
Pyruvate dehydrogenase E3 deficiency (DLDD). Also called: Lipoamide dehydrogenase deficiency, lactic acidosis due to; Dihydrolipoamide Dehydrogenase (E3) Deficiency; MAPLE SYRUP URINE DISEASE, TYPE III; Dihydrolipoamide Dehydrogenase Deficiency; DLD DEFICIENCY; E3 DEFICIENCY. Identifiers: Orphanet 2394, Orphanet 765, MedGen C5574660, MONDO:0009529, OMIM 246900.

Submission:

Natera, Inc.
Classification: Likely pathogenic for Maple syrup urine disease type 3. Last evaluated: 2024-03-19. Review status: criteria provided, single submitter. Criteria: Natera Variant Classification Schema (03/2026). Collection method: clinical testing. Allele origin: germline.
Comment: The c.39+1G>T variant in DLD is a canonical splice donor site variant predicted to affect pre-mRNA splicing, which may result in an abnormal transcript and altered protein product. This variant is expected to result in nonsense mediated decay, truncation, or a dysfunctional protein product. This variant is rare in the general population with a frequency below the threshold expected for the associated phenotype(s). Given the available evidence, this variant is classified as Likely Pathogenic.